The following is an entry in ClinVar:

ClinVar aggregate classification (germline): Likely pathogenic (1 of 4 stars; one submission).

Submission:

Labcorp Genetics (formerly Invitae), Labcorp
Classification: Likely pathogenic. Last evaluated: 2025-03-10. Review status: criteria provided, single submitter. Criteria: Invitae Variant Classification Sherloc (09022015). Collection method: clinical testing. Allele origin: germline.
Comment: This sequence change affects an acceptor splice site in intron 7 of the TANGO2 gene. It is expected to disrupt RNA splicing. Variants that disrupt the donor or acceptor splice site typically lead to a loss of protein function (PMID: 16199547), and loss-of-function variants in TANGO2 are known to be pathogenic (PMID: 26805781, 26805782). This variant is not present in population databases (gnomAD no frequency). This variant has not been reported in the literature in individuals affected with TANGO2-related conditions. Algorithms developed to predict the effect of sequence changes on RNA splicing suggest that this variant may disrupt the consensus splice site. In summary, the currently available evidence indicates that the variant is pathogenic, but additional data are needed to prove that conclusively. Therefore, this variant has been classified as Likely Pathogenic.

Literature cited by the submitters: PubMed 16199547; PubMed 26805781; PubMed 26805782.

NM_152906.7(TANGO2):c.606-2A>G

Gene: TANGO2 (transport and golgi organization 2 homolog; plus strand). Cytogenetic location: 22q11.21.
Variant type: single nucleotide variant.
Coding change: c.606-2A>G on transcript NM_152906.7 (MANE Select); the canonical splice acceptor site of the intron before coding-DNA position 606, A replaced by G.
Molecular consequence: splice acceptor variant. On other transcripts: intron variant (1).
Genome position (GRCh38, 1-based): chr22:20,063,336, A>G. VCF-style: chr22-20063336-A-G. GRCh37 (hg19) VCF-style: chr22-20050859-A-G.
Other names: c.606-2A>G (NM_001283106.3, NM_001322142.2, NM_001283116.3); c.420-2A>G (NM_001322163.2, NM_001283179.3, NM_001322167.2 and 2 more transcripts); c.312-2A>G (NM_001322174.2, NM_001322172.2, NM_001322175.2 and 6 more transcripts); c.502-2A>G (NM_001322160.2); c.729-2A>G (NM_001322143.2, NM_001322141.2, NM_001283129.3); c.543-2A>G (NM_001322145.2, NM_001322147.2); c.504-2A>G (NM_001322146.2, NM_001322148.2, NM_001322149.2); c.604-2A>G (NM_001283154.3, NM_001283148.3); and 5 more.
Identifiers: ClinVar variation 4714802 (VCV004714802.1).